The following is an entry in ClinVar:

ClinVar aggregate classification (germline): Uncertain significance (1 of 4 stars; one submission).

gnomAD v4.1: 1 of 1,441,290 alleles (0.000069%); no homozygotes.

Submission:

Dasa
Classification: Uncertain significance. Last evaluated: 2025-05-07. Review status: criteria provided, single submitter. Criteria: DASA Assertion Criteria. Collection method: clinical testing. Allele origin: germline.
Comment: NM_001289123.2(TUBB4A):c.79T>A (p.Ser27Thr) is a missense variant that results in the substitution of serine with threonine. This variant is rare in population databases. The currently available literature and clinical evidence are not sufficient to establish a definitive association between this variant and the reported condition. Therefore, this variant is classified as a variant of uncertain significance.

NM_006087.4(TUBB4A):c.-75T>A

Gene: TUBB4A (tubulin beta 4A class IVa; minus strand). Cytogenetic location: 19p13.3.
Variant type: single nucleotide variant.
Coding change: c.-75T>A on transcript NM_006087.4 (MANE Select); 75 bases upstream of the start codon, T replaced by A.
Molecular consequence: 5 prime UTR variant. On other transcripts: missense variant (2), intron variant (1).
Genome position (GRCh38, 1-based): chr19:6,502,287, A>T on the plus strand (T>A on the coding strand, the complement: TUBB4A is on the minus strand). VCF-style: chr19-6502287-A-T. GRCh37 (hg19) VCF-style: chr19-6502298-A-T.
Other names: c.79T>A, p.Ser27Thr (NM_001289123.2); c.61T>A, p.Ser21Thr (NM_001289127.2); c.-248T>A (NM_001289130.2); c.-215T>A (NM_001289131.2); c.-50-25T>A (NM_001289129.2); short protein forms S21T, S27T.
Identifiers: ClinVar variation 4886094 (VCV004886094.2).
Genomic context (GRCh38, chr19:6,502,287, plus strand): 5'-GGGTGGACGCGGCGGCGGTGGCACGAGCGCGGGGAGCTGCGGCGGCGGCGAGGGTGGAAG[A>T]TGCGGCGGAGACGGCGGAGCACGGTCCCTGCGCCCCCGGGAGCCGCTATATGAGCGGGCG-3'